The following is an entry in ClinVar:

NM_014865.4(NCAPD2):c.1590-10G>A

Gene: NCAPD2 (non-SMC condensin I complex subunit D2; plus strand). Cytogenetic location: 12p13.31.
Variant type: single nucleotide variant.
Coding change: c.1590-10G>A on transcript NM_014865.4 (MANE Select); 10 bases into the intron before coding-DNA position 1590, G replaced by A.
Molecular consequence: intron variant.
Genome position (GRCh38, 1-based): chr12:6,520,976, G>A. VCF-style: chr12-6520976-G-A. GRCh37 (hg19) VCF-style: chr12-6630142-G-A.
Identifiers: ClinVar variation 3044964 (VCV003044964.2), dbSNP rs778456450, ClinGen allele CA6408445.
Genomic context (GRCh38, chr12:6,520,976, plus strand): 5'-TGAGGTAAGCTCCCTTACAAACGGCTGCAGTGACATTCTTCTGGGTACTGACAGGCTGGT[G>A]TTCTTTCAGAAAGGCCATCATTCTCACTCGAGAAGCCACAGGCCACTTCCAGGAGTCCGA-3'

ClinVar aggregate classification (germline): Likely benign (0 of 4 stars; one submission).

Conditions:
NCAPD2-related disorder. Also called: NCAPD2-related condition.

Allele frequency attached by ClinVar (database versions not stated): ExAC 0.00001; gnomAD 0.00006; TOPMed 0.00006.

Submission:

PreventionGenetics, part of Exact Sciences
Classification: Likely benign for NCAPD2-related condition. Last evaluated: 2019-05-24. Review status: no assertion criteria provided. Collection method: clinical testing. Allele origin: germline.
Comment: This variant is classified as likely benign based on ACMG/AMP sequence variant interpretation guidelines (Richards et al. 2015 PMID: 25741868, with internal and published modifications).